The following is an entry in ClinVar:

ClinVar aggregate classification (germline): Uncertain significance. Review status: criteria provided, multiple submitters, no conflicts (2 of 4 stars). 4 submissions from 4 submitters: Uncertain significance (4). Last evaluated 2024-11-03.

Conditions:
Catecholaminergic polymorphic ventricular tachycardia 1. Also called: VENTRICULAR TACHYCARDIA, CATECHOLAMINERGIC POLYMORPHIC, 1, WITH OR WITHOUT ATRIAL DYSFUNCTION AND/OR DILATED CARDIOMYOPATHY; RYR2-Related Catecholaminergic Polymorphic Ventricular Tachycardia; VENTRICULAR TACHYCARDIA, STRESS-INDUCED POLYMORPHIC 1. Identifiers: Orphanet 3286, MedGen C1631597, MONDO:0011484, OMIM 604772.
Catecholaminergic polymorphic ventricular tachycardia 5 (CARDAR). Also called: Ventricular tachycardia, catecholaminergic polymorphic, 5, with or without muscle weakness; CARDIAC ARRHYTHMIA SYNDROME, WITH OR WITHOUT SKELETAL MUSCLE WEAKNESS. Identifiers: Orphanet 3286, MedGen C3809536, MONDO:0014191, OMIM 615441.
Cardiovascular phenotype. Identifiers: MedGen CN230736.

Allele frequency attached by ClinVar (database versions not stated): gnomAD exomes 0.00001; TOPMed 0.00002; gnomAD 0.00003.
gnomAD v4.1: 28 of 1,001,006 alleles (0.0028%); highest among the groups gnomAD compares: Non-Finnish European, 0.0037%; no homozygotes.

Submissions (4):

Ambry Genetics
Classification: Uncertain significance for Cardiovascular phenotype. Last evaluated: 2024-11-03. Review status: criteria provided, single submitter. Criteria: Ambry Variant Classification Scheme 2023. Collection method: clinical testing. Allele origin: germline.
Comment: The p.I534R variant (also known as c.1601T>G), located in coding exon 28 of the TRDN gene, results from a T to G substitution at nucleotide position 1601. The isoleucine at codon 534 is replaced by arginine, an amino acid with similar properties. This amino acid position is poorly conserved in available vertebrate species. In addition, this alteration is predicted to be tolerated by in silico analysis. Since supporting evidence is limited at this time, the clinical significance of this alteration remains unclear.

Mayo Clinic Laboratories, Mayo Clinic
Classification: Uncertain significance. Last evaluated: 2023-10-23. Review status: criteria provided, single submitter. Criteria: ACMG Guidelines, 2015. Collection method: clinical testing. Allele origin: germline. Observed: 1 variant allele.
Comment: BP4

Labcorp Genetics (formerly Invitae), Labcorp
Classification: Uncertain significance for Catecholaminergic polymorphic ventricular tachycardia 1. Last evaluated: 2021-12-14. Review status: criteria provided, single submitter. Criteria: Invitae Variant Classification Sherloc (09022015). Collection method: clinical testing. Allele origin: germline.
Comment: This sequence change replaces isoleucine, which is neutral and non-polar, with arginine, which is basic and polar, at codon 534 of the TRDN protein (p.Ile534Arg). This variant is present in population databases (no rsID available, gnomAD 0.004%). This variant has not been reported in the literature in individuals affected with TRDN-related conditions. Algorithms developed to predict the effect of missense changes on protein structure and function are either unavailable or do not agree on the potential impact of this missense change (SIFT: "Deleterious"; PolyPhen-2: "Benign"; Align-GVGD: "Class C0"). Algorithms developed to predict the effect of sequence changes on RNA splicing suggest that this variant may create or strengthen a splice site. In summary, the available evidence is currently insufficient to determine the role of this variant in disease. Therefore, it has been classified as a Variant of Uncertain Significance.

Fulgent Genetics
Classification: Uncertain significance for Catecholaminergic polymorphic ventricular tachycardia 1; Catecholaminergic polymorphic ventricular tachycardia 5. Last evaluated: 2021-07-01. Review status: criteria provided, single submitter. Criteria: ACMG Guidelines, 2015. Collection method: clinical testing. Allele origin: unknown.

NM_006073.4(TRDN):c.1601T>G (p.Ile534Arg)

Gene: TRDN (triadin; minus strand). Cytogenetic location: 6q22.31.
Variant type: single nucleotide variant.
Coding change: c.1601T>G on transcript NM_006073.4 (MANE Select); coding-DNA position 1601, T replaced by G.
Protein change: p.Ile534Arg; replaces isoleucine 534 with arginine.
Molecular consequence: missense variant.
Genome position (GRCh38, 1-based): chr6:123,273,360, A>C on the plus strand (T>G on the coding strand, the complement: TRDN is on the minus strand). VCF-style: chr6-123273360-A-C. GRCh37 (hg19) VCF-style: chr6-123594505-A-C.
Other names: p.Ile534Arg; short protein forms I534R.
Identifiers: ClinVar variation 1437829 (VCV001437829.9), dbSNP rs926868398, ClinGen allele CA147231755.